The following is an entry in ClinVar:

NM_002907.4(RECQL):c.1606_1612delinsTG (p.Thr536fs)

Gene: RECQL (RecQ like helicase; minus strand). Cytogenetic location: 12p12.1.
Variant type: Indel.
Coding change: c.1606_1612delinsTG on transcript NM_002907.4 (MANE Select); coding-DNA positions 1606 to 1612, ACACTTC replaced by TG.
Protein change: p.Thr536fs; shifts the reading frame from threonine 536.
Molecular consequence: frameshift variant.
Genome position (GRCh38, 1-based): chr12:21,471,483-21,471,489, GAAGTGT replaced by CA on the plus strand (ACACTTC replaced by TG on the coding strand, the reverse complement: RECQL is on the minus strand). VCF-style: chr12-21471483-GAAGTGT-CA. GRCh37 (hg19) VCF-style: chr12-21624417-GAAGTGT-CA.
Other names: c.1606_1612delinsTG, p.Thr536fs (NM_032941.3); short protein forms T536fs.
Identifiers: ClinVar variation 2450972 (VCV002450972.2), dbSNP rs2540320432, ClinGen allele CA2580085245.

ClinVar aggregate classification (germline): Uncertain significance (1 of 4 stars; one submission).

Submission:

Ambry Genetics
Classification: Uncertain significance. Last evaluated: 2023-01-19. Review status: criteria provided, single submitter. Criteria: Ambry Variant Classification Scheme 2023. Collection method: clinical testing. Allele origin: germline.
Comment: The c.1606_1612delACACTTCinsTG variant, located in coding exon 12 of the RECQL gene, results from the deletion of 7 nucleotides and insertion of two nucleotides causing a translational frameshift with a predicted alternate stop codon (p.T536Cfs*3). This alteration is expected to result in premature protein truncation or nonsense-mediated mRNA decay. However, the evidence for this gene-disease relationship is limited; therefore, the clinical significance of this alteration is unclear.